The following is an entry in ClinVar:

NM_018240.7(KIRREL1):c.510+9C>T

Gene: KIRREL1 (kirre like nephrin family adhesion molecule 1; plus strand). Cytogenetic location: 1q23.1.
Variant type: single nucleotide variant.
Coding change: c.510+9C>T on transcript NM_018240.7 (MANE Select); 9 bases into the intron after coding-DNA position 510, C replaced by T.
Molecular consequence: intron variant.
Genome position (GRCh38, 1-based): chr1:158,084,588, C>T. VCF-style: chr1-158084588-C-T. GRCh37 (hg19) VCF-style: chr1-158054378-C-T.
Other names: c.210+9C>T (NM_001286349.2).
Identifiers: ClinVar variation 3050794 (VCV003050794.2), dbSNP rs762298485, ClinGen allele CA1177394.

ClinVar aggregate classification (germline): Likely benign (0 of 4 stars; one submission).

Conditions:
KIRREL1-related disorder. Also called: KIRREL1-related condition.

Allele frequency attached by ClinVar (database versions not stated): gnomAD exomes below 0.00001; TOPMed 0.00003; ExAC 0.00005; gnomAD 0.00005.
gnomAD v4.1: 13 of 1,550,944 alleles (0.00084%); highest among the groups gnomAD compares: African/African-American, 0.014%; no homozygotes.

Submission:

PreventionGenetics, part of Exact Sciences
Classification: Likely benign for KIRREL1-related condition. Last evaluated: 2022-12-19. Review status: no assertion criteria provided. Collection method: clinical testing. Allele origin: germline.
Comment: This variant is classified as likely benign based on ACMG/AMP sequence variant interpretation guidelines (Richards et al. 2015 PMID: 25741868, with internal and published modifications).